The following is an entry in ClinVar:

ClinVar aggregate classification (germline): Conflicting classifications of pathogenicity. Review status: criteria provided, conflicting classifications (1 of 4 stars). 4 submissions from 4 submitters: Likely pathogenic (2); Uncertain significance (1); Benign (1). Last evaluated 2025-09-02.

Conditions:
Hypercalcemia, infantile, 2 (HCINF2). Identifiers: Orphanet 300547, MedGen C4310473, MONDO:0014851, OMIM 616963.
SLC34A1-related disorder. Also called: SLC34A1-related disorders; SLC34A1-related condition.
Hypophosphatemic nephrolithiasis/osteoporosis 1. Identifiers: Orphanet 244305, MedGen C2676786, MONDO:0012850, OMIM 612286.

Allele frequency attached by ClinVar (database versions not stated): ESP Exome Variant Server 0.00008; gnomAD 0.00009 and 0.00010; ExAC 0.00014; gnomAD exomes 0.00020.
gnomAD v4.1: 134 of 1,613,484 alleles (0.0083%); highest among the groups gnomAD compares: East Asian, 0.013%; no homozygotes.

Submissions (4):

Labcorp Genetics (formerly Invitae), Labcorp
Classification: Likely pathogenic. Last evaluated: 2025-09-02. Review status: criteria provided, single submitter. Criteria: Invitae Variant Classification Sherloc (09022015). Collection method: clinical testing. Allele origin: germline.
Comment: This sequence change replaces arginine, which is basic and polar, with cysteine, which is neutral and slightly polar, at codon 495 of the SLC34A1 protein (p.Arg495Cys). This variant is present in population databases (rs199565633, gnomAD 0.2%). This missense change has been observed in individuals with hypercalcemia (PMID: 30943683; internal data). It has also been observed to segregate with disease in related individuals. ClinVar contains an entry for this variant (Variation ID: 352973). Invitae Evidence Modeling of protein sequence and biophysical properties (such as structural, functional, and spatial information, amino acid conservation, physicochemical variation, residue mobility, and thermodynamic stability) has been performed for this missense variant. However, the output from this modeling did not meet the statistical confidence thresholds required to predict the impact of this variant on SLC34A1 protein function. Experimental studies have shown that this missense change affects SLC34A1 function (PMID: 37132631). This variant disrupts the p.Arg495 amino acid residue in SLC34A1. Other variant(s) that disrupt this residue have been observed in individuals with SLC34A1-related conditions (PMID: 25050900), which suggests that this may be a clinically significant amino acid residue. In summary, the currently available evidence indicates that the variant is pathogenic, but additional data are needed to prove that conclusively. Therefore, this variant has been classified as Likely Pathogenic.

3billion
Classification: Uncertain significance for Hypercalcemia, infantile, 2. Last evaluated: 2025-04-11. Review status: criteria provided, single submitter. Criteria: ACMG Guidelines, 2015. Collection method: clinical testing. Allele origin: germline. Affected: yes.

Blueprint Genetics
Classification: Likely pathogenic for SLC34A1-related disorders. Last evaluated: 2024-09-03. Review status: criteria provided, single submitter. Criteria: ACMG Guidelines, 2015. Collection method: clinical testing. Allele origin: germline. Affected: yes. Observed: 5 variant alleles.

Illumina Laboratory Services, Illumina
Classification: Benign for Hypophosphatemic nephrolithiasis/osteoporosis 1. Last evaluated: 2018-01-13. Review status: criteria provided, single submitter. Criteria: ICSL Variant Classification Criteria 13 December 2019. Collection method: clinical testing. Allele origin: germline.
Comment: This variant was observed in the ICSL laboratory as part of a predisposition screen in an ostensibly healthy population. It had not been previously curated by ICSL or reported in the Human Gene Mutation Database (HGMD: prior to June 1st, 2018), and was therefore a candidate for classification through an automated scoring system. Utilizing variant allele frequency, disease prevalence and penetrance estimates, and inheritance mode, an automated score was calculated to assess if this variant is too frequent to cause the disease. Based on the score and internal cut-off values, a variant classified as benign is not then subjected to further curation. The score for this variant resulted in a classification of benign for this disease.

Literature cited by the submitters: PubMed 30943683 (cited by Labcorp Genetics (formerly Invitae), Labcorp); PubMed 37132631 (cited by Labcorp Genetics (formerly Invitae), Labcorp); PubMed 25050900 (cited by Labcorp Genetics (formerly Invitae), Labcorp and 3billion).

NM_003052.5(SLC34A1):c.1483C>T (p.Arg495Cys)

Gene: SLC34A1 (solute carrier family 34 member 1; plus strand). Cytogenetic location: 5q35.3.
Variant type: single nucleotide variant.
Coding change: c.1483C>T on transcript NM_003052.5 (MANE Select); coding-DNA position 1483, C replaced by T.
Protein change: p.Arg495Cys; replaces arginine 495 with cysteine.
Molecular consequence: missense variant.
Genome position (GRCh38, 1-based): chr5:177,397,849, C>T. VCF-style: chr5-177397849-C-T. GRCh37 (hg19) VCF-style: chr5-176824850-C-T.
Other names: short protein forms R495C.
Identifiers: ClinVar variation 352973 (VCV000352973.16), dbSNP rs199565633, ClinGen allele CA3580812.